The following is an entry in ClinVar:

NM_014982.3(PCNX1):c.304C>G (p.Arg102Gly)

Gene: PCNX1 (pecanex 1; plus strand). Cytogenetic location: 14q24.2.
Variant type: single nucleotide variant.
Coding change: c.304C>G on transcript NM_014982.3 (MANE Select); coding-DNA position 304, C replaced by G.
Protein change: p.Arg102Gly; replaces arginine 102 with glycine.
Molecular consequence: missense variant.
Genome position (GRCh38, 1-based): chr14:70,947,065, C>G. VCF-style: chr14-70947065-C-G. GRCh37 (hg19) VCF-style: chr14-71413782-C-G.
Other names: c.304C>G, p.Arg102Gly (NM_001308160.2); short protein forms R102G.
Identifiers: ClinVar variation 2644349 (VCV002644349.24), dbSNP rs138566336, ClinGen allele CA7250580.

ClinVar aggregate classification (germline): Likely benign (1 of 4 stars; one submission).

Allele frequency attached by ClinVar (database versions not stated): ExAC 0.00036; ESP Exome Variant Server 0.00100; gnomAD 0.00120; TOPMed 0.00134; 1000 Genomes Project 30x 0.00187; 1000 Genomes Project 0.00220.
gnomAD v4.1: 430 of 1,613,382 alleles (0.027%); highest among the groups gnomAD compares: African/African-American, 0.47%; 3 homozygotes.

Submission:

CeGaT Center for Human Genetics Tuebingen
Classification: Likely benign. Last evaluated: 2022-04-01. Review status: criteria provided, single submitter. Criteria: CeGaT Center For Human Genetics Tuebingen Variant Classification Criteria Version 2. Collection method: clinical testing. Allele origin: germline. Affected: yes. Observed: 1 variant allele.
Comment: PCNX1: BP4